The following is an entry in ClinVar:

ClinVar aggregate classification (germline): Pathogenic (0 of 4 stars; one submission).

Conditions:
Usher syndrome type 2. Also called: Usher Syndrome Type II. Identifiers: Orphanet 231178, MedGen C0339534, MONDO:0016484.

Submission:

Ophthalmo-Genetics Lab, Instituto de Oftalmologia Conde de Valenciana
Classification: Pathogenic for Usher syndrome type 2. Last evaluated: 2022-11-14. Review status: no assertion criteria provided. Collection method: clinical testing. Allele origin: germline. Inheritance: Autosomal recessive inheritance. Affected: yes. Observed: 1 compound heterozygote.
Comment: Novel pathogenic variant. PP4 (manual), PVS1, PM2.

Literature cited by the submitters: PubMed 35076463.

NM_206933.4(USH2A):c.9187A>T (p.Lys3063Ter)

Gene: USH2A (usherin; minus strand). Cytogenetic location: 1q41.
Variant type: single nucleotide variant.
Coding change: c.9187A>T on transcript NM_206933.4 (MANE Select); coding-DNA position 9187, A replaced by T.
Protein change: p.Lys3063Ter; replaces lysine 3063 with a stop codon.
Molecular consequence: nonsense.
Genome position (GRCh38, 1-based): chr1:215,844,365, T>A on the plus strand (A>T on the coding strand, the complement: USH2A is on the minus strand). VCF-style: chr1-215844365-T-A. GRCh37 (hg19) VCF-style: chr1-216017707-T-A.
Other names: short protein forms K3063*.
Identifiers: ClinVar variation 1723460 (VCV001723460.1), dbSNP rs1663780024, ClinGen allele CA344838715.